The following is an entry in ClinVar:

ClinVar aggregate classification (germline): Likely benign. Review status: criteria provided, multiple submitters, no conflicts (2 of 4 stars). 2 submissions from 2 submitters: Likely benign (2). Last evaluated 2026-08-27.

Conditions:
GSN-related disorder. Also called: GSN-related condition.

Allele frequency attached by ClinVar (database versions not stated): ExAC 0.00009.
gnomAD v4.1: 85 of 1,613,734 alleles (0.0053%); highest among the groups gnomAD compares: Middle Eastern, 0.066%; no homozygotes.

Submissions (2):

PreventionGenetics, part of Exact Sciences
Classification: Likely benign for GSN-related condition. Last evaluated: 2026-08-27. Review status: criteria provided, single submitter. Criteria: ACMG Guidelines, 2015. Collection method: clinical testing. Allele origin: germline.
Comment: This variant is classified as likely benign based on ACMG/AMP sequence variant interpretation guidelines (Richards et al. 2015 PMID: 25741868, with internal and published modifications).

Labcorp Genetics (formerly Invitae), Labcorp
Classification: Likely benign. Last evaluated: 2025-05-07. Review status: criteria provided, single submitter. Criteria: Invitae Variant Classification Sherloc (09022015). Collection method: clinical testing. Allele origin: germline.

NM_198252.3(GSN):c.1224C>T (p.Pro408=)

Gene: GSN (gelsolin; plus strand). Cytogenetic location: 9q33.2.
Variant type: single nucleotide variant.
Coding change: c.1224C>T on transcript NM_198252.3 (MANE Select); coding-DNA position 1224, C replaced by T.
Protein change: p.Pro408=; no amino-acid change (proline 408 retained).
Molecular consequence: synonymous variant.
Genome position (GRCh38, 1-based): chr9:121,321,300, C>T. VCF-style: chr9-121321300-C-T. GRCh37 (hg19) VCF-style: chr9-124083578-C-T.
Other names: c.1377C>T, p.Pro459= (NM_000177.5); c.1224C>T, p.Pro408= (NM_001127662.2, NM_001127664.2, NM_001127665.2 and 10 more transcripts); c.1332C>T, p.Pro444= (NM_001127663.2); c.1257C>T, p.Pro419= (NM_001127666.2, NM_001127667.2, NM_001353063.2 and 13 more transcripts); c.1275C>T, p.Pro425= (NM_001258029.2); c.1248C>T, p.Pro416= (NM_001258030.2); c.1296C>T, p.Pro432= (NM_001353076.2); c.570C>T, p.Pro190= (NM_001353078.2); and 1 more.
Identifiers: ClinVar variation 2071556 (VCV002071556.5), dbSNP rs780270307, ClinGen allele CA5221193.
Genomic context (GRCh38, chr9:121,321,300, plus strand): 5'-GCATCTGACTCCAGCTTTGCTCCTGCAGATCTGGAGAATCGAAGGTTCCAACAAGGTGCC[C>T]GTGGACCCTGCCACATATGGACAGTTCTATGGAGGCGACAGCTACATCATTCTGTACAAC-3'
Protein context (NP_937895.1, residues 398-418): IWRIEGSNKV[Pro408=]VDPATYGQFY